The following is an entry in ClinVar:

ClinVar aggregate classification (germline): Pathogenic (1 of 4 stars; one submission).

Conditions:
Hereditary cancer-predisposing syndrome. Also called: Tumor predisposition; Hereditary neoplastic syndrome; Hereditary Cancer Syndrome; Neoplastic Syndromes, Hereditary. Identifiers: Orphanet 140162, MedGen C0027672, MeSH D009386, MONDO:0015356.

Submission:

Ambry Genetics
Classification: Pathogenic for Hereditary cancer-predisposing syndrome. Last evaluated: 2025-05-05. Review status: criteria provided, single submitter. Criteria: Ambry Variant Classification Scheme 2023. Collection method: clinical testing. Allele origin: germline.
Comment: The c.956delC pathogenic mutation, located in coding exon 5 of the SMARCA4 gene, results from a deletion of one nucleotide at nucleotide position 956, causing a translational frameshift with a predicted alternate stop codon (p.P319Hfs*7). This variant is considered to be rare based on population cohorts in the Genome Aggregation Database (gnomAD). This alteration is expected to result in loss of function by premature protein truncation or nonsense-mediated mRNA decay. Loss-of-function variants in SMARCA4 are known to cause rhabdoid tumor predisposition syndrome including small cell carcinoma of the ovary-hypercalcemic type (SCCOHT); however, such associations with neurodevelopmental disorders are exceedingly rare (Kosho T et al. Am J Med Genet C Semin Med Genet. 2014 Sep;166C(3):262-75; Jelinic P et al. Nat Genet. 2014 May;46(5):424-6). Based on the supporting evidence, this alteration is pathogenic for rhabdoid tumor predisposition syndrome; however, the association of this alteration with Coffin-Siris syndrome is unlikely.

NM_003072.5(SMARCA4):c.956del (p.Pro319fs)

Gene: SMARCA4 (SWI/SNF related BAF chromatin remodeling complex subunit ATPase 4; plus strand). Cytogenetic location: 19p13.2.
Variant type: Deletion.
Coding change: c.956del on transcript NM_003072.5 (MANE Select); coding-DNA position 956, one base deleted (C; older notation c.956delC).
Protein change: p.Pro319fs; shifts the reading frame from proline 319.
Molecular consequence: frameshift variant. On other transcripts: non-coding transcript variant (1).
Genome position (GRCh38, 1-based): chr19:10,987,762, C deleted; the last of 3 consecutive C bases (chr19:10,987,760-10,987,762); deleting any one gives the same sequence. VCF-style (leftmost placement, unchanged base first): chr19-10987759-TC-T. GRCh37 (hg19) VCF-style: chr19-11098435-TC-T.
Other names: c.956del, p.Pro319fs (NM_001128844.3, NM_001128845.2, NM_001128846.2 and 6 more transcripts); short protein forms P319fs.
Identifiers: ClinVar variation 3958436 (VCV003958436.1).